The following is an entry in ClinVar:

ClinVar aggregate classification (germline): Uncertain significance. Review status: criteria provided, multiple submitters, no conflicts (2 of 4 stars). 2 submissions from 2 submitters: Uncertain significance (2). Last evaluated 2023-09-21.

Conditions:
Inborn genetic diseases. Identifiers: MedGen C0950123, MeSH D030342.

Submissions (2):

Ambry Genetics
Classification: Uncertain significance for Inborn genetic diseases. Last evaluated: 2023-09-21. Review status: criteria provided, single submitter. Criteria: Ambry Variant Classification Scheme 2023. Collection method: clinical testing. Allele origin: germline.
Comment: The p.Q1575H variant (also known as c.4725A>T), located in coding exon 27 of the ATR gene, results from an A to T substitution at nucleotide position 4725. The glutamine at codon 1575 is replaced by histidine, an amino acid with highly similar properties. This amino acid position is conserved. In addition, this alteration is predicted to be tolerated by in silico analysis. Since supporting evidence is limited at this time, the clinical significance of this alteration remains unclear.

Labcorp Genetics (formerly Invitae), Labcorp
Classification: Uncertain significance. Last evaluated: 2022-07-30. Review status: criteria provided, single submitter. Criteria: Invitae Variant Classification Sherloc (09022015). Collection method: clinical testing. Allele origin: germline.
Comment: In summary, the available evidence is currently insufficient to determine the role of this variant in disease. Therefore, it has been classified as a Variant of Uncertain Significance. Algorithms developed to predict the effect of missense changes on protein structure and function are either unavailable or do not agree on the potential impact of this missense change (SIFT: "Deleterious"; PolyPhen-2: "Benign"; Align-GVGD: "Class C0"). This variant has not been reported in the literature in individuals affected with ATR-related conditions. This variant is not present in population databases (gnomAD no frequency). This sequence change replaces glutamine, which is neutral and polar, with histidine, which is basic and polar, at codon 1575 of the ATR protein (p.Gln1575His).

NM_001184.4(ATR):c.4725A>T (p.Gln1575His)

Gene: ATR (ATR checkpoint kinase; minus strand). Cytogenetic location: 3q23.
Variant type: single nucleotide variant.
Coding change: c.4725A>T on transcript NM_001184.4 (MANE Select); coding-DNA position 4725, A replaced by T.
Protein change: p.Gln1575His; replaces glutamine 1575 with histidine.
Molecular consequence: missense variant.
Genome position (GRCh38, 1-based): chr3:142,512,387, T>A on the plus strand (A>T on the coding strand, the complement: ATR is on the minus strand). VCF-style: chr3-142512387-T-A. GRCh37 (hg19) VCF-style: chr3-142231229-T-A.
Other names: c.4533A>T, p.Gln1511His (NM_001354579.2); short protein forms Q1575H, Q1511H.
Identifiers: ClinVar variation 1742680 (VCV001742680.7), dbSNP rs2108372019, ClinGen allele CA354795546.